The following is an entry in ClinVar:

ClinVar aggregate classification (germline): Conflicting classifications of pathogenicity. Review status: criteria provided, conflicting classifications (1 of 4 stars). 3 submissions from 3 submitters: Uncertain significance (1); Benign (1); Likely benign (1). Last evaluated 2026-02-17.

Conditions:
Inborn genetic diseases. Identifiers: MedGen C0950123, MeSH D030342.

Allele frequency attached by ClinVar (database versions not stated): gnomAD 0.00001; gnomAD exomes 0.00007; ExAC 0.00010.

Submissions (3):

Ambry Genetics
Classification: Likely benign for Inborn genetic diseases. Last evaluated: 2026-02-17. Review status: criteria provided, single submitter. Criteria: Ambry Variant Classification Scheme 2023. Collection method: clinical testing. Allele origin: germline.

Labcorp Genetics (formerly Invitae), Labcorp
Classification: Benign. Last evaluated: 2025-07-31. Review status: criteria provided, single submitter. Criteria: Invitae Variant Classification Sherloc (09022015). Collection method: clinical testing. Allele origin: germline.

Genetic Services Laboratory, University of Chicago
Classification: Uncertain significance. Last evaluated: 2020-08-19. Review status: criteria provided, single submitter. Criteria: ACMG Guidelines, 2015. Collection method: clinical testing. Allele origin: germline. Affected: no.
Comment: DNA sequence analysis of the FAM111A gene demonstrated a sequence change, c.563C>G, in exon 4 that results in an amino acid change, p.Ala188Gly. This sequence change does not appear to have been previously described in patients with FAM111A-related disorders and has been described in the gnomAD database with frequency of 0.05% in the Latino sub-population (dbSNP rs574553791). The p.Ala188Gly change affects a highly conserved amino acid residue located in a domain of the FAM111A protein that is not known to be functional. In-silico pathogenicity prediction tools (SIFT, PolyPhen2, Align GVGD, REVEL) provide contradictory results for the p.Ala188Gly substitution. Due to these contrasting evidences and the lack of functional studies, the clinical significance of the p.Ala188Gly change remains unknown at this time.

NM_001312909.2(FAM111A):c.563C>G (p.Ala188Gly)

Gene: FAM111A (FAM111 trypsin like peptidase A; plus strand). Cytogenetic location: 11q12.1.
Variant type: single nucleotide variant.
Coding change: c.563C>G on transcript NM_001312909.2 (MANE Select); coding-DNA position 563, C replaced by G.
Protein change: p.Ala188Gly; replaces alanine 188 with glycine.
Molecular consequence: missense variant.
Genome position (GRCh38, 1-based): chr11:59,152,231, C>G. VCF-style: chr11-59152231-C-G. GRCh37 (hg19) VCF-style: chr11-58919704-C-G.
Other names: c.563C>G, p.Ala188Gly (NM_001142519.3, NM_001142520.3, NM_001142521.3 and 29 more transcripts); c.563C>G (NM_001142520.1); short protein forms A188G.
Identifiers: ClinVar variation 1337714 (VCV001337714.8), dbSNP rs574553791, ClinGen allele CA6016600.